The following is an entry in ClinVar:

NM_000051.4(ATM):c.7799_7800del (p.Glu2600fs)

Genes: ATM (ATM serine/threonine kinase; plus strand), C11orf65 (chromosome 11 open reading frame 65; minus strand). Cytogenetic location: 11q22.3.
Variant type: Microsatellite.
Coding change: c.7799_7800del on transcript NM_000051.4 (MANE Select); coding-DNA positions 7799 to 7800, 2 bases deleted (AG; older notation c.7799_7800delAG).
Protein change: p.Glu2600fs; shifts the reading frame from glutamic acid 2600.
Molecular consequence: frameshift variant. On other transcripts: intron variant (2).
Genome position (GRCh38, 1-based): chr11:108,332,772-108,332,773, AG deleted; deleting any 2 consecutive bases within chr11:108,332,770-108,332,773 gives the same sequence; the c. name uses the placement nearest the transcript's 3' end. VCF-style (leftmost placement, unchanged base first): chr11-108332769-CAG-C. GRCh37 (hg19) VCF-style: chr11-108203496-CAG-C.
Other names: c.7799_7800del, p.Glu2600fs (NM_001351834.2); c.641-23700_641-23699del (NM_001330368.2); c.*38+2449_*38+2450del (NM_001351110.2); short protein forms E2600fs.
Identifiers: ClinVar variation 3148397 (VCV003148397.1), dbSNP rs2547298016, ClinGen allele CA2825001971.

ClinVar aggregate classification (germline): Pathogenic (1 of 4 stars; one submission).

Conditions:
Familial cancer of breast. Also called: hereditary breast carcinoma; BREAST CANCER, FAMILIAL; Hereditary breast cancer. Identifiers: Orphanet 227535, MedGen C0346153, MONDO:0016419, OMIM 114480. Disease mechanism: loss of function.

Submission:

Myriad Genetics, Inc.
Classification: Pathogenic for Familial cancer of breast. Last evaluated: 2024-02-01. Review status: criteria provided, single submitter. Criteria: Myriad Autosomal Dominant, Autosomal Recessive and X-Linked Classification Criteria (2023). Collection method: clinical testing. Allele origin: unknown.
Comment: This variant is considered pathogenic. This variant creates a frameshift predicted to result in premature protein truncation.